The following is an entry in ClinVar:

ClinVar aggregate classification (germline): Uncertain significance. Review status: criteria provided, multiple submitters, no conflicts (2 of 4 stars). 2 submissions from 2 submitters: Uncertain significance (2). Last evaluated 2021-10-29.

Allele frequency attached by ClinVar (database versions not stated): gnomAD exomes 0.00001; TOPMed 0.00001.
gnomAD v4.1: 6 of 1,212,117 alleles (0.0005%); highest among the groups gnomAD compares: East Asian, 0.003%; no homozygotes.

Submissions (2):

Labcorp Genetics (formerly Invitae), Labcorp
Classification: Uncertain significance. Last evaluated: 2021-10-29. Review status: criteria provided, single submitter. Criteria: Invitae Variant Classification Sherloc (09022015). Collection method: clinical testing. Allele origin: germline.
Comment: In summary, the available evidence is currently insufficient to determine the role of this variant in disease. Therefore, it has been classified as a Variant of Uncertain Significance. Algorithms developed to predict the effect of missense changes on protein structure and function are either unavailable or do not agree on the potential impact of this missense change (SIFT: "Deleterious"; PolyPhen-2: "Possibly Damaging"; Align-GVGD: "Class C0"). This variant has not been reported in the literature in individuals affected with BCORL1-related conditions. This variant is not present in population databases (gnomAD no frequency). This sequence change replaces glutamic acid, which is acidic and polar, with lysine, which is basic and polar, at codon 1670 of the BCORL1 protein (p.Glu1670Lys).

GeneDx
Classification: Uncertain significance. Last evaluated: 2021-10-01. Review status: criteria provided, single submitter. Criteria: GeneDx Variant Classification Process June 2021. Collection method: clinical testing. Allele origin: germline. Affected: yes.
Comment: Not observed at significant frequency in large population cohorts (Lek et al., 2016); In silico analysis supports that this missense variant does not alter protein structure/function; Has not been previously published as pathogenic or benign to our knowledge

NM_001379451.1(BCORL1):c.5230G>A (p.Glu1744Lys)

Gene: BCORL1 (BCL6 corepressor like 1; plus strand). Cytogenetic location: Xq26.1.
Variant type: single nucleotide variant.
Coding change: c.5230G>A on transcript NM_001379451.1 (MANE Select); coding-DNA position 5230, G replaced by A.
Protein change: p.Glu1744Lys; replaces glutamic acid 1744 with lysine.
Molecular consequence: missense variant.
Genome position (GRCh38, 1-based): chrX:130,056,008, G>A. VCF-style: chrX-130056008-G-A. GRCh37 (hg19) VCF-style: chrX-129189983-G-A.
Other names: c.5230G>A, p.Glu1744Lys (NM_001184772.3, NM_001379450.1); c.5008G>A, p.Glu1670Lys (NM_021946.5); short protein forms E1670K, E1744K.
Identifiers: ClinVar variation 1300639 (VCV001300639.7), dbSNP rs1000714095, ClinGen allele CA335104982.
Genomic context (GRCh38, chrX:130,056,008, plus strand): 5'-ACCATGCCCAAGGCCGAGTTCTACAGGCAGGTGGCCTCCAGTCAGCTGCTGACCCCTGCC[G>A]AGAGGCCTGGAGGCTTGGACGACAGATCCCCCCCAGGCTCCTCTGAGACTGTGGAGCTGG-3'
Protein context (NP_001366380.1, residues 1734-1754): VASSQLLTPA[Glu1744Lys]RPGGLDDRSP